The following is an entry in ClinVar:

NM_002225.5(IVD):c.880C>T (p.Leu294Phe)

Gene: IVD (isovaleryl-CoA dehydrogenase; plus strand). Cytogenetic location: 15q15.1.
Variant type: single nucleotide variant.
Coding change: c.880C>T on transcript NM_002225.5 (MANE Select); coding-DNA position 880, C replaced by T.
Protein change: p.Leu294Phe; replaces leucine 294 with phenylalanine.
Molecular consequence: missense variant. On other transcripts: non-coding transcript variant (1).
Genome position (GRCh38, 1-based): chr15:40,415,402, C>T. VCF-style: chr15-40415402-C-T. GRCh37 (hg19) VCF-style: chr15-40707601-C-T.
Other names: c.790C>T, p.Leu264Phe (NM_001159508.3); c.832C>T, p.Leu278Phe (NM_001354597.3); c.880C>T, p.Leu294Phe (NM_001354598.3, NM_001354601.3); c.967C>T, p.Leu323Phe (NM_001354599.3, NM_001354600.3); short protein forms L294F, L323F, L264F, L278F.
Identifiers: ClinVar variation 2106596 (VCV002106596.3), dbSNP rs2542747049, ClinGen allele CA391721224.

ClinVar aggregate classification (germline): Uncertain significance (1 of 4 stars; one submission).

Conditions:
Isovaleryl-CoA dehydrogenase deficiency (IVA). Also called: ISOVALERIC ACID CoA DEHYDROGENASE DEFICIENCY; Isovaleric acidemia; IVD DEFICIENCY; Classic Isovaleric Acidemia. Identifiers: Orphanet 33, MedGen C0268575, MONDO:0009475, OMIM 243500.

Submission:

Labcorp Genetics (formerly Invitae), Labcorp
Classification: Uncertain significance for Isovaleryl-CoA dehydrogenase deficiency. Last evaluated: 2024-08-30. Review status: criteria provided, single submitter. Criteria: Invitae Variant Classification Sherloc (09022015). Collection method: clinical testing. Allele origin: germline.
Comment: This sequence change replaces leucine, which is neutral and non-polar, with phenylalanine, which is neutral and non-polar, at codon 297 of the IVD protein (p.Leu297Phe). This variant is not present in population databases (gnomAD no frequency). This variant has not been reported in the literature in individuals affected with IVD-related conditions. ClinVar contains an entry for this variant (Variation ID: 2106596). An algorithm developed to predict the effect of missense changes on protein structure and function (PolyPhen-2) suggests that this variant is likely to be disruptive. In summary, the available evidence is currently insufficient to determine the role of this variant in disease. Therefore, it has been classified as a Variant of Uncertain Significance.